The following is an entry in ClinVar:

ClinVar aggregate classification (germline): Conflicting classifications of pathogenicity. Review status: criteria provided, conflicting classifications (1 of 4 stars). 5 submissions from 5 submitters: Likely pathogenic (3); Uncertain significance (2). Last evaluated 2026-02-06.

Conditions:
Hereditary cancer-predisposing syndrome. Also called: Hereditary neoplastic syndrome; Tumor predisposition; Hereditary Cancer Syndrome; Neoplastic Syndromes, Hereditary. Identifiers: Orphanet 140162, MedGen C0027672, MeSH D009386, MONDO:0015356.
Familial adenomatous polyposis 4 (FAP4). Also called: MSH3-related attenuated familial adenomatous polyposis. Identifiers: Orphanet 480536, MedGen C4310719, MONDO:0044300, OMIM 617100.
Endometrial carcinoma. Also called: Endometrial carcinoma, somatic. Identifiers: MedGen C0476089, MONDO:0002447, OMIM 608089, HP:0012114.

Allele frequency attached by ClinVar (database versions not stated): ExAC 0.00003; gnomAD 0.00001; TOPMed 0.00001; gnomAD exomes 0.00002 and 0.00001.
gnomAD v4.1: 17 of 1,513,276 alleles (0.0011%); highest among the groups gnomAD compares: Non-Finnish European, 0.0016%; no homozygotes.

Submissions (5):

Myriad Genetics, Inc.
Classification: Uncertain significance for Familial adenomatous polyposis 4. Last evaluated: 2026-02-06. Review status: criteria provided, single submitter. Criteria: Myriad Autosomal Dominant, Autosomal Recessive and X-Linked Classification Criteria (2023). Collection method: clinical testing. Allele origin: unknown.
Comment: This variant is classified as a variant of uncertain significance as there is insufficient evidence to determine its impact on protein function and/or cancer risk.

Ambry Genetics
Classification: Uncertain significance for Hereditary cancer-predisposing syndrome. Last evaluated: 2025-12-05. Review status: criteria provided, single submitter. Criteria: Ambry Variant Classification Scheme 2023. Collection method: clinical testing. Allele origin: germline.
Comment: The c.1454-2A>G intronic variant results from an A to G substitution two nucleotides upstream from coding exon 10 in the MSH3 gene. This nucleotide position is highly conserved in available vertebrate species. In silico splice site analysis predicts that this alteration will weaken the native splice acceptor site and will result in the creation or strengthening of a novel splice acceptor site; however, direct evidence is insufficient at this time (Ambry internal data). A resulting transcript is predicted to be in-frame and is not expected to trigger nonsense-mediated mRNA decay. The exact functional effect of the missing amino acids is unknown. Based on the available evidence, the clinical significance of this variant remains unclear.

Labcorp Genetics (formerly Invitae), Labcorp
Classification: Likely pathogenic. Last evaluated: 2025-07-23. Review status: criteria provided, single submitter. Criteria: Invitae Variant Classification Sherloc (09022015). Collection method: clinical testing. Allele origin: germline.
Comment: This sequence change affects an acceptor splice site in intron 9 of the MSH3 gene. RNA analysis indicates that disruption of this splice site induces altered splicing and likely results in the loss of 11 amino acid residue(s), but is expected to preserve the integrity of the reading-frame. This variant is present in population databases (no rsID available, gnomAD 0.004%). This variant has not been reported in the literature in individuals affected with MSH3-related conditions. ClinVar contains an entry for this variant (Variation ID: 654470). Studies have shown that disruption of this splice site results in the activation of a cryptic splice site in 10 (internal data). In summary, the currently available evidence indicates that the variant is pathogenic, but additional data are needed to prove that conclusively. Therefore, this variant has been classified as Likely Pathogenic.

Baylor Genetics
Classification: Likely pathogenic for Endometrial carcinoma. Last evaluated: 2024-02-19. Review status: criteria provided, single submitter. Criteria: ACMG Guidelines, 2015. Collection method: clinical testing. Allele origin: unknown.

GeneDx
Classification: Likely pathogenic. Last evaluated: 2024-01-22. Review status: criteria provided, single submitter. Criteria: GeneDx Variant Classification Process June 2021. Collection method: clinical testing. Allele origin: germline. Affected: yes.
Comment: Canonical splice site variant predicted to result in a null allele in a gene for which loss of function is a known mechanism of disease; Not observed at significant frequency in large population cohorts (gnomAD); Has not been previously published as pathogenic or benign to our knowledge; This variant is associated with the following publications: (PMID: 27476653)

NM_002439.5(MSH3):c.1454-2A>G

Gene: MSH3 (mutS homolog 3; plus strand). Cytogenetic location: 5q14.1.
Variant type: single nucleotide variant.
Coding change: c.1454-2A>G on transcript NM_002439.5 (MANE Select); the canonical splice acceptor site of the intron before coding-DNA position 1454, A replaced by G.
Molecular consequence: splice acceptor variant.
Genome position (GRCh38, 1-based): chr5:80,728,849, A>G. VCF-style: chr5-80728849-A-G. GRCh37 (hg19) VCF-style: chr5-80024668-A-G.
Identifiers: ClinVar variation 654470 (VCV000654470.19), dbSNP rs1554070317, ClinGen allele CA3327929.